The following is an entry in ClinVar:

ClinVar aggregate classification (germline): Uncertain significance. Review status: criteria provided, multiple submitters, no conflicts (2 of 4 stars). 3 submissions from 3 submitters: Uncertain significance (3). Last evaluated 2025-11-18.

Conditions:
Hereditary cancer-predisposing syndrome. Also called: Hereditary neoplastic syndrome; Neoplastic Syndromes, Hereditary; Tumor predisposition; Hereditary Cancer Syndrome. Identifiers: Orphanet 140162, MedGen C0027672, MeSH D009386, MONDO:0015356.

Allele frequency attached by ClinVar (database versions not stated): gnomAD exomes below 0.00001.
gnomAD v4.1: 3 of 1,614,194 alleles (0.00019%); highest among the groups gnomAD compares: Non-Finnish European, 0.00017%; no homozygotes.

Submissions (3):

Ambry Genetics
Classification: Uncertain significance for Hereditary cancer-predisposing syndrome. Last evaluated: 2025-11-18. Review status: criteria provided, single submitter. Criteria: Ambry Variant Classification Scheme 2023. Collection method: clinical testing. Allele origin: germline.
Comment: The p.K182E variant (also known as c.544A>G), located in coding exon 3 of the XRCC2 gene, results from an A to G substitution at nucleotide position 544. The lysine at codon 182 is replaced by glutamic acid, an amino acid with similar properties. This amino acid position is conserved. In addition, this alteration is predicted to be tolerated by in silico analysis. Based on the available evidence, the clinical significance of this variant remains unclear.

Labcorp Genetics (formerly Invitae), Labcorp
Classification: Uncertain significance. Last evaluated: 2023-11-17. Review status: criteria provided, single submitter. Criteria: Invitae Variant Classification Sherloc (09022015). Collection method: clinical testing. Allele origin: germline.
Comment: This sequence change replaces lysine, which is basic and polar, with glutamic acid, which is acidic and polar, at codon 182 of the XRCC2 protein (p.Lys182Glu). This variant is not present in population databases (gnomAD no frequency). This variant has not been reported in the literature in individuals affected with XRCC2-related conditions. ClinVar contains an entry for this variant (Variation ID: 421744). Advanced modeling of protein sequence and biophysical properties (such as structural, functional, and spatial information, amino acid conservation, physicochemical variation, residue mobility, and thermodynamic stability) performed at Invitae indicates that this missense variant is not expected to disrupt XRCC2 protein function with a negative predictive value of 80%. In summary, the available evidence is currently insufficient to determine the role of this variant in disease. Therefore, it has been classified as a Variant of Uncertain Significance.

GeneDx
Classification: Uncertain significance. Last evaluated: 2016-07-21. Review status: criteria provided, single submitter. Criteria: GeneDx Variant Classification (06012015). Collection method: clinical testing. Allele origin: germline. Affected: yes.
Comment: This variant is denoted XRCC2 c.544A>G at the cDNA level, p.Lys182Glu (K182E) at the protein level, and results in the change of a Lysine to a Glutamic Acid (AAG>GAG). This variant has not, to our knowledge, been published in the literature as pathogenic or benign. XRCC2 Lys182Glu was not observed in approximately 6,500 individuals of European and African American ancestry in the NHLBI Exome Sequencing Project, suggesting it is not a common benign variant in these populations. Since Lysine and Glutamic Acid differ in polarity, charge, size or other properties, this is considered a non-conservative amino acid substitution. XRCC2 Lys182Glu occurs at a position where amino acids with properties similar to Lysine are tolerated across species and is located in the ATPase domain (Kim 2011). In silico analyses are inconsistent regarding the effect this variant may have on protein structure and function. Based on currently available evidence, it is unclear whether XRCC2 Lys182Glu is a pathogenic or benign variant. We consider it to be a variant of uncertain significance.

NM_005431.2(XRCC2):c.544A>G (p.Lys182Glu)

Gene: XRCC2 (X-ray repair cross complementing 2; minus strand). Cytogenetic location: 7q36.1.
Variant type: single nucleotide variant.
Coding change: c.544A>G on transcript NM_005431.2 (MANE Select); coding-DNA position 544, A replaced by G.
Protein change: p.Lys182Glu; replaces lysine 182 with glutamic acid.
Molecular consequence: missense variant.
Genome position (GRCh38, 1-based): chr7:152,648,941, T>C on the plus strand (A>G on the coding strand, the complement: XRCC2 is on the minus strand). VCF-style: chr7-152648941-T-C. GRCh37 (hg19) VCF-style: chr7-152346026-T-C.
Other names: short protein forms K182E.
Identifiers: ClinVar variation 421744 (VCV000421744.6), dbSNP rs1064795338, ClinGen allele CA16618429.